The following is an entry in ClinVar:

NM_006431.3(CCT2):c.3+6C>G

Genes: CCT2 (chaperonin containing TCP1 subunit 2; plus strand), LOC130008284 (ATAC-STARR-seq lymphoblastoid active region 6653; plus strand). Cytogenetic location: 12q15.
Variant type: single nucleotide variant.
Coding change: c.3+6C>G on transcript NM_006431.3 (MANE Select); 6 bases into the intron after coding-DNA position 3, C replaced by G.
Molecular consequence: intron variant.
Genome position (GRCh38, 1-based): chr12:69,585,530, C>G. VCF-style: chr12-69585530-C-G. GRCh37 (hg19) VCF-style: chr12-69979310-C-G.
Identifiers: ClinVar variation 1015016 (VCV001015016.9), dbSNP rs1368577713, ClinGen allele CA691381765.

ClinVar aggregate classification (germline): Uncertain significance (1 of 4 stars; one submission).

Allele frequency attached by ClinVar (database versions not stated): gnomAD 0.00002; TOPMed 0.00002.
gnomAD v4.1: 15 of 1,570,132 alleles (0.00096%); highest among the groups gnomAD compares: African/African-American, 0.0027%; no homozygotes.

Submission:

Labcorp Genetics (formerly Invitae), Labcorp
Classification: Uncertain significance. Last evaluated: 2025-11-23. Review status: criteria provided, single submitter. Criteria: Invitae Variant Classification Sherloc (09022015). Collection method: clinical testing. Allele origin: germline.
Comment: This sequence change falls in intron 1 of the CCT2 gene. It does not directly change the encoded amino acid sequence of the CCT2 protein. It affects a nucleotide within the consensus splice site. This variant is not present in population databases (gnomAD no frequency). This variant has not been reported in the literature in individuals affected with CCT2-related conditions. ClinVar contains an entry for this variant (Variation ID: 1015016). Variants that disrupt the consensus splice site are a relatively common cause of aberrant splicing (PMID: 17576681, 9536098). Algorithms developed to predict the effect of sequence changes on RNA splicing suggest that this variant is not likely to affect RNA splicing. In summary, the available evidence is currently insufficient to determine the role of this variant in disease. Therefore, it has been classified as a Variant of Uncertain Significance.

Literature cited by the submitters: PubMed 17576681; PubMed 9536098.